The following is an entry in ClinVar:

ClinVar aggregate classification (germline): Uncertain significance (1 of 4 stars; one submission).

Conditions:
Holoprosencephaly 11 (HPE11). Identifiers: Orphanet 2162, MedGen C3280215, MONDO:0013642, OMIM 614226.

gnomAD v4.1: 7 of 1,614,180 alleles (0.00043%); highest among the groups gnomAD compares: Non-Finnish European, 0.00059%; no homozygotes.

Submission:

Labcorp Genetics (formerly Invitae), Labcorp
Classification: Uncertain significance for Holoprosencephaly 11. Last evaluated: 2025-04-23. Review status: criteria provided, single submitter. Criteria: Invitae Variant Classification Sherloc (09022015). Collection method: clinical testing. Allele origin: germline.
Comment: This sequence change replaces isoleucine, which is neutral and non-polar, with phenylalanine, which is neutral and non-polar, at codon 773 of the CDON protein (p.Ile773Phe). This variant is not present in population databases (gnomAD no frequency). This variant has not been reported in the literature in individuals affected with CDON-related conditions. Invitae Evidence Modeling of protein sequence and biophysical properties (such as structural, functional, and spatial information, amino acid conservation, physicochemical variation, residue mobility, and thermodynamic stability) has been performed for this missense variant. However, the output from this modeling did not meet the statistical confidence thresholds required to predict the impact of this variant on CDON protein function. In summary, the available evidence is currently insufficient to determine the role of this variant in disease. Therefore, it has been classified as a Variant of Uncertain Significance.

NM_001378964.1(CDON):c.2317A>T (p.Ile773Phe)

Gene: CDON (cell adhesion associated, oncogene regulated; minus strand). Cytogenetic location: 11q24.2.
Variant type: single nucleotide variant.
Coding change: c.2317A>T on transcript NM_001378964.1 (MANE Select); coding-DNA position 2317, A replaced by T.
Protein change: p.Ile773Phe; replaces isoleucine 773 with phenylalanine.
Molecular consequence: missense variant.
Genome position (GRCh38, 1-based): chr11:125,997,252, T>A on the plus strand (A>T on the coding strand, the complement: CDON is on the minus strand). VCF-style: chr11-125997252-T-A. GRCh37 (hg19) VCF-style: chr11-125867147-T-A.
Other names: c.2317A>T, p.Ile773Phe (NM_001243597.3, NM_001441161.1, NM_001441162.1 and 5 more transcripts); short protein forms I773F.
Identifiers: ClinVar variation 4742858 (VCV004742858.1).